The following is an entry in ClinVar:

NM_152703.5(SAMD9L):c.1876T>C (p.Ser626Pro)

Gene: SAMD9L (sterile alpha motif domain containing 9 like; minus strand). Cytogenetic location: 7q21.2.
Variant type: single nucleotide variant.
Coding change: c.1876T>C on transcript NM_152703.5 (MANE Select); coding-DNA position 1876, T replaced by C.
Protein change: p.Ser626Pro; replaces serine 626 with proline.
Molecular consequence: missense variant.
Genome position (GRCh38, 1-based): chr7:93,134,096, A>G on the plus strand (T>C on the coding strand, the complement: SAMD9L is on the minus strand). VCF-style: chr7-93134096-A-G. GRCh37 (hg19) VCF-style: chr7-92763409-A-G.
Other names: c.1876T>C, p.Ser626Pro (NM_001303496.3, NM_001303497.3, NM_001303498.3 and 5 more transcripts); short protein forms S626P.
Identifiers: ClinVar variation 2796411 (VCV002796411.3), dbSNP rs1792291048, ClinGen allele CA368194214.

ClinVar aggregate classification (germline): Uncertain significance (1 of 4 stars; one submission).

Allele frequency attached by ClinVar (database versions not stated): gnomAD exomes below 0.00001.
gnomAD v4.1: 1 of 1,613,966 alleles (0.000062%); highest among the groups gnomAD compares: Non-Finnish European, 0.000085%; no homozygotes.

Submission:

Labcorp Genetics (formerly Invitae), Labcorp
Classification: Uncertain significance. Last evaluated: 2025-03-31. Review status: criteria provided, single submitter. Criteria: Invitae Variant Classification Sherloc (09022015). Collection method: clinical testing. Allele origin: germline.
Comment: This sequence change replaces serine, which is neutral and polar, with proline, which is neutral and non-polar, at codon 626 of the SAMD9L protein (p.Ser626Pro). This variant is not present in population databases (gnomAD no frequency). This variant has not been reported in the literature in individuals affected with SAMD9L-related conditions. ClinVar contains an entry for this variant (Variation ID: 2796411). Invitae Evidence Modeling of protein sequence and biophysical properties (such as structural, functional, and spatial information, amino acid conservation, physicochemical variation, residue mobility, and thermodynamic stability) indicates that this missense variant is not expected to disrupt SAMD9L protein function with a negative predictive value of 80%. This variant disrupts the p.Ser626 amino acid residue in SAMD9L. Other variant(s) that disrupt this residue have been determined to be pathogenic (PMID: 29146900, 35310830). This suggests that this residue is clinically significant, and that variants that disrupt this residue are likely to be disease-causing. In summary, the available evidence is currently insufficient to determine the role of this variant in disease. Therefore, it has been classified as a Variant of Uncertain Significance.

Literature cited by the submitters: PubMed 29146900; PubMed 35310830.